The following is an entry in ClinVar:

NM_018062.4(FANCL):c.203G>A (p.Arg68Gln)

Gene: FANCL (FA complementation group L; minus strand). Cytogenetic location: 2p16.1.
Variant type: single nucleotide variant.
Coding change: c.203G>A on transcript NM_018062.4 (MANE Select); coding-DNA position 203, G replaced by A.
Protein change: p.Arg68Gln; replaces arginine 68 with glutamine.
Molecular consequence: missense variant.
Genome position (GRCh38, 1-based): chr2:58,229,827, C>T on the plus strand (G>A on the coding strand, the complement: FANCL is on the minus strand). VCF-style: chr2-58229827-C-T. GRCh37 (hg19) VCF-style: chr2-58456962-C-T.
Other names: c.203G>A, p.Arg68Gln (NM_001114636.2, NM_001374615.1, NM_001410792.1); short protein forms R68Q.
Identifiers: ClinVar variation 1026011 (VCV001026011.7), dbSNP rs143819820, ClinGen allele CA347034773.

ClinVar aggregate classification (germline): Uncertain significance. Review status: criteria provided, multiple submitters, no conflicts (2 of 4 stars). 2 submissions from 2 submitters: Uncertain significance (2). Last evaluated 2022-05-12.

Conditions:
Fanconi anemia (FA). Also called: Fanconi's anemia. Identifiers: Orphanet 84, MedGen C0015625, MeSH D005199, MONDO:0019391.
Fanconi anemia complementation group L (FANCL). Also called: FANCL-Related Fanconi Anemia. Identifiers: Orphanet 84, MedGen C3469528, MONDO:0013566, OMIM 614083.

gnomAD v4.1: 5 of 1,609,410 alleles (0.00031%); highest among the groups gnomAD compares: Admixed American, 0.0067%; no homozygotes.

Submissions (2):

Fulgent Genetics
Classification: Uncertain significance for Fanconi anemia complementation group L. Last evaluated: 2022-05-12. Review status: criteria provided, single submitter. Criteria: ACMG Guidelines, 2015. Collection method: clinical testing. Allele origin: unknown.

Labcorp Genetics (formerly Invitae), Labcorp
Classification: Uncertain significance for Fanconi anemia. Last evaluated: 2021-08-28. Review status: criteria provided, single submitter. Criteria: Invitae Variant Classification Sherloc (09022015). Collection method: clinical testing. Allele origin: germline.
Comment: This sequence change replaces arginine with glutamine at codon 68 of the FANCL protein (p.Arg68Gln). The arginine residue is weakly conserved and there is a small physicochemical difference between arginine and glutamine. This variant is not present in population databases (ExAC no frequency). This variant has not been reported in the literature in individuals affected with FANCL-related conditions. Algorithms developed to predict the effect of missense changes on protein structure and function output the following: SIFT: "Tolerated"; PolyPhen-2: "Benign"; Align-GVGD: "Class C0". The glutamine amino acid residue is found in multiple mammalian species, which suggests that this missense change does not adversely affect protein function. In summary, the available evidence is currently insufficient to determine the role of this variant in disease. Therefore, it has been classified as a Variant of Uncertain Significance.